The following is an entry in ClinVar:

ClinVar aggregate classification (germline): Conflicting classifications of pathogenicity. Review status: criteria provided, conflicting classifications (1 of 4 stars). 8 submissions from 8 submitters: Uncertain significance (5); Likely benign (3). Last evaluated 2025-12-22.

Conditions:
Hereditary breast ovarian cancer syndrome. Also called: Hereditary breast and ovarian cancer; Hereditary breast and ovarian cancer syndrome (HBOC); Hereditary breast and/or ovarian cancer syndrome; Breast and ovarian cancer; BRCA1- and BRCA2-Associated Hereditary Breast and Ovarian Cancer; Hereditary breast and ovarian cancer syndrome. Identifiers: Orphanet 145, MedGen C0677776, MeSH D061325, MONDO:0003582. Disease mechanism: loss of function.
Hereditary cancer-predisposing syndrome. Also called: Hereditary Cancer Syndrome; Hereditary neoplastic syndrome; Neoplastic Syndromes, Hereditary; Tumor predisposition. Identifiers: Orphanet 140162, MedGen C0027672, MeSH D009386, MONDO:0015356.

Allele frequency attached by ClinVar (database versions not stated): ExAC 0.00001; gnomAD 0.00001; TOPMed 0.00001.
gnomAD v4.1: 8 of 1,614,094 alleles (0.0005%); highest among the groups gnomAD compares: Non-Finnish European, 0.00068%; no homozygotes.

Submissions (8):

Labcorp Genetics (formerly Invitae), Labcorp
Classification: Uncertain significance for Hereditary breast ovarian cancer syndrome. Last evaluated: 2025-12-22. Review status: criteria provided, single submitter. Criteria: Invitae Variant Classification Sherloc (09022015). Collection method: clinical testing. Allele origin: germline.
Comment: This sequence change replaces arginine, which is basic and polar, with glycine, which is neutral and non-polar, at codon 296 of the BRCA1 protein (p.Arg296Gly). This variant is present in population databases (rs748675395, gnomAD 0.0009%). This missense change has been observed in individual(s) with kidney renal cell carcinoma (PMID: 26689913). ClinVar contains an entry for this variant (Variation ID: 431183). Invitae Evidence Modeling of protein sequence and biophysical properties (such as structural, functional, and spatial information, amino acid conservation, physicochemical variation, residue mobility, and thermodynamic stability) indicates that this missense variant is expected to disrupt BRCA1 protein function with a positive predictive value of 80%. Experimental studies have shown that this missense change does not substantially affect BRCA1 function (PMID: 26689913). In summary, the available evidence is currently insufficient to determine the role of this variant in disease. Therefore, it has been classified as a Variant of Uncertain Significance.

Blueprint Genetics
Classification: Likely benign. Last evaluated: 2024-03-22. Review status: criteria provided, single submitter. Criteria: ACMG Guidelines, 2015. Collection method: clinical testing. Allele origin: germline.

Ambry Genetics
Classification: Uncertain significance for Hereditary cancer-predisposing syndrome. Last evaluated: 2024-03-14. Review status: criteria provided, single submitter. Criteria: Ambry Variant Classification Scheme 2023. Collection method: clinical testing. Allele origin: germline.
Comment: The p.R296G variant (also known as c.886A>G), located in coding exon 9 of the BRCA1 gene, results from an A to G substitution at nucleotide position 886. The arginine at codon 296 is replaced by glycine, an amino acid with dissimilar properties. This alteration was functional in a homology directed DNA repair (HDR) assay (Lu C et al. Nat Commun, 2015 Dec;6:10086). This amino acid position is not well conserved in available vertebrate species. In addition, this alteration is predicted to be deleterious by in silico analysis. Based on the available evidence, the clinical significance of this alteration remains unclear.

University of Washington Department of Laboratory Medicine, University of Washington
Classification: Likely benign for Hereditary cancer-predisposing syndrome. Last evaluated: 2023-03-23. Review status: criteria provided, single submitter. Criteria: Dines et al. (Genet Med. 2020). Collection method: curation. Allele origin: germline.
Comment: Missense variant in a coldspot region where missense variants are very unlikely to be pathogenic (PMID:31911673).

BRCA1 coldspot (exon 11 using historical exon numbering). Reclassification based on statistical prior probability

Quest Diagnostics Nichols Institute San Juan Capistrano
Classification: Uncertain significance. Last evaluated: 2021-07-23. Review status: criteria provided, single submitter. Criteria: Quest Diagnostics criteria. Collection method: clinical testing. Allele origin: unknown.

Color Diagnostics, LLC DBA Color Health
Classification: Uncertain significance for Hereditary cancer-predisposing syndrome. Last evaluated: 2021-07-19. Review status: criteria provided, single submitter. Criteria: ACMG Guidelines, 2015. Collection method: clinical testing. Allele origin: germline.
Comment: This missense variant replaces arginine with glycine at codon 296 of the BRCA1 protein. Computational prediction is inconclusive regarding the impact of this variant on protein structure and function (internally defined REVEL score threshold 0.5 < inconclusive < 0.7, PMID: 27666373). One study suggested this variant may not impact homology-directed repair (PMID: 26689913). This variant has been reported in an individual affected with kidney renal clear cell carcinoma (PMID: 26689913). This variant has been identified in 1/246014 chromosomes in the general population by the Genome Aggregation Database (gnomAD). The available evidence is insufficient to determine the role of this variant in disease conclusively. Therefore, this variant is classified as a Variant of Uncertain Significance.

GeneDx
Classification: Uncertain significance. Last evaluated: 2019-04-22. Review status: criteria provided, single submitter. Criteria: GeneDx Variant Classification Process June 2021. Collection method: clinical testing. Allele origin: germline. Affected: yes.
Comment: Not observed at a significant frequency in large population cohorts (Lek et al., 2016); This variant is associated with the following publications: (PMID: 21702907, 26689913)

Cancer Genetics and Genomics Laboratory, British Columbia Cancer Agency
Classification: Likely benign. Last evaluated: 2017-04-18. Review status: criteria provided, single submitter. Criteria: ACMG Guidelines, 2015. Collection method: clinical testing. Allele origin: germline. Study: The Canadian Open Genetics Repository (COGR).

Literature cited by the submitters: PubMed 26689913 (cited by 3 submitters); PubMed 29684080 (cited by Ambry Genetics); PubMed 33471991 (cited by Ambry Genetics).

NM_007294.4(BRCA1):c.886A>G (p.Arg296Gly)

Gene: BRCA1 (BRCA1 DNA repair associated; minus strand). Cytogenetic location: 17q21.31.
Variant type: single nucleotide variant.
Coding change: c.886A>G on transcript NM_007294.4 (MANE Select); coding-DNA position 886, A replaced by G.
Protein change: p.Arg296Gly; replaces arginine 296 with glycine.
Molecular consequence: missense variant. On other transcripts: 5 prime UTR variant (2), intron variant (137).
Genome position (GRCh38, 1-based): chr17:43,094,645, T>C on the plus strand (A>G on the coding strand, the complement: BRCA1 is on the minus strand). VCF-style: chr17-43094645-T-C. GRCh37 (hg19) VCF-style: chr17-41246662-T-C.
Other names: c.673A>G, p.Arg225Gly (NM_001407571.1, NM_001407853.1, NM_001407894.1 and 9 more transcripts); c.886A>G, p.Arg296Gly (NM_001407581.1, NM_001407582.1, NM_001407583.1 and 30 more transcripts); c.883A>G, p.Arg295Gly (NM_001407587.1, NM_001407590.1, NM_001407591.1 and 22 more transcripts); c.877A>G, p.Arg293Gly (NM_001407646.1, NM_001407647.1); c.763A>G, p.Arg255Gly (NM_001407648.1, NM_001407664.1, NM_001407665.1 and 19 more transcripts); c.760A>G, p.Arg254Gly (NM_001407649.1, NM_001407670.1, NM_001407671.1 and 11 more transcripts); c.808A>G, p.Arg270Gly (NM_001407653.1, NM_001407654.1, NM_001407655.1 and 4 more transcripts); c.805A>G, p.Arg269Gly (NM_001407659.1, NM_001407660.1, NM_001407661.1 and 1 more transcripts); and 40 more; short protein forms R296G, R249G, R184G, R228G, R254G, R169G, R207G, R226G.
Identifiers: ClinVar variation 431183 (VCV000431183.27), dbSNP rs748675395, ClinGen allele CA056869.